The following is an entry in ClinVar:

ClinVar aggregate classification (germline): Conflicting classifications of pathogenicity. Review status: criteria provided, conflicting classifications (1 of 4 stars). 3 submissions from 3 submitters: Uncertain significance (2); Likely benign (1). Last evaluated 2025-11-19.

Conditions:
Inborn genetic diseases. Identifiers: MedGen C0950123, MeSH D030342.

Allele frequency attached by ClinVar (database versions not stated): TOPMed 0.00001; gnomAD 0.00005; ExAC 0.00019; 1000 Genomes Project 30x 0.00047; 1000 Genomes Project 0.00060.
gnomAD v4.1: 131 of 1,614,090 alleles (0.0081%); highest among the groups gnomAD compares: South Asian, 0.14%; no homozygotes.

Submissions (3):

Ambry Genetics
Classification: Likely benign for Inborn genetic diseases. Last evaluated: 2025-11-19. Review status: criteria provided, single submitter. Criteria: Ambry Variant Classification Scheme 2023. Collection method: clinical testing. Allele origin: germline.

Labcorp Genetics (formerly Invitae), Labcorp
Classification: Uncertain significance. Last evaluated: 2024-02-24. Review status: criteria provided, single submitter. Criteria: Invitae Variant Classification Sherloc (09022015). Collection method: clinical testing. Allele origin: germline.
Comment: This sequence change replaces valine, which is neutral and non-polar, with leucine, which is neutral and non-polar, at codon 83 of the NDUFAF5 protein (p.Val83Leu). This variant is present in population databases (rs540882370, gnomAD 0.1%). This variant has not been reported in the literature in individuals affected with NDUFAF5-related conditions. ClinVar contains an entry for this variant (Variation ID: 2198766). Advanced modeling of protein sequence and biophysical properties (such as structural, functional, and spatial information, amino acid conservation, physicochemical variation, residue mobility, and thermodynamic stability) performed at Invitae indicates that this missense variant is not expected to disrupt NDUFAF5 protein function with a negative predictive value of 80%. In summary, the available evidence is currently insufficient to determine the role of this variant in disease. Therefore, it has been classified as a Variant of Uncertain Significance.

Blueprint Genetics
Classification: Uncertain significance. Last evaluated: 2023-01-20. Review status: criteria provided, single submitter. Criteria: ACMG Guidelines, 2015. Collection method: clinical testing. Allele origin: germline.

NM_024120.5(NDUFAF5):c.247G>C (p.Val83Leu)

Gene: NDUFAF5 (NADH:ubiquinone oxidoreductase complex assembly factor 5; plus strand). Cytogenetic location: 20p12.1.
Variant type: single nucleotide variant.
Coding change: c.247G>C on transcript NM_024120.5 (MANE Select); coding-DNA position 247, G replaced by C.
Protein change: p.Val83Leu; replaces valine 83 with leucine.
Molecular consequence: missense variant. On other transcripts: 5 prime UTR variant (3), non-coding transcript variant (7).
Genome position (GRCh38, 1-based): chr20:13,787,336, G>C. VCF-style: chr20-13787336-G-C. GRCh37 (hg19) VCF-style: chr20-13767982-G-C.
Other names: c.247G>C (NM_024120.4); c.247G>C, p.Val83Leu (NM_001039375.3, NM_001352408.2); c.-121G>C (NM_001352403.2); c.-335G>C (NM_001352406.2); c.-315G>C (NM_001352407.2); short protein forms V83L.
Identifiers: ClinVar variation 2198766 (VCV002198766.5), dbSNP rs540882370, ClinGen allele CA9767665.
Genomic context (GRCh38, chr20:13,787,336, plus strand): 5'-CTTCCCCGTTAACCTACGCCTCGTGTAATCCTTCAGGTTGGAAGTCGGATCGCAGACCGT[G>C]TATATGACATACCCAGGTAAGTGGTGGTGATCATAATACAATACCATCAACTTTTGAGTG-3'
Protein context (NP_077025.2, residues 73-93): EEVGSRIADR[Val83Leu]YDIPRNFPLA